The following is an entry in ClinVar:

ClinVar aggregate classification (germline): Benign (0 of 4 stars; one submission).

Conditions:
PKD1-related disorder. Also called: PKD1-related condition.

Submission:

PreventionGenetics, part of Exact Sciences
Classification: Benign for PKD1-related condition. Last evaluated: 2023-11-16. Review status: no assertion criteria provided. Collection method: clinical testing. Allele origin: germline.
Comment: This variant is classified as benign based on ACMG/AMP sequence variant interpretation guidelines (Richards et al. 2015 PMID: 25741868, with internal and published modifications).

NM_001009944.3(PKD1):c.11713-63_11713-30dup

Gene: PKD1 (polycystin 1, transient receptor potential channel interacting; minus strand). Cytogenetic location: 16p13.3.
Variant type: Duplication.
Coding change: c.11713-63_11713-30dup on transcript NM_001009944.3 (MANE Select); 63 bases into the intron before coding-DNA position 11713 through 30 bases into the intron before coding-DNA position 11713, 34 bases duplicated.
Molecular consequence: intron variant.
Genome position (GRCh38, 1-based): chr16:2,091,204-2,091,237, 34 bases duplicated; duplicating any 34 consecutive bases within chr16:2,091,204-2,091,261 gives the same sequence; the c. name uses the placement nearest the transcript's 3' end. GRCh37 (hg19): chr16:2,141,229-2,141,262.
Other names: c.11710-63_11710-30dup (NM_000296.4).
Identifiers: ClinVar variation 3037516 (VCV003037516.2), dbSNP rs1555445311, ClinGen allele CA276765291.